The following is an entry in ClinVar:

NM_016169.4(SUFU):c.991C>T (p.Arg331Trp)

Gene: SUFU (SUFU negative regulator of hedgehog signaling; plus strand). Cytogenetic location: 10q24.32.
Variant type: single nucleotide variant.
Coding change: c.991C>T on transcript NM_016169.4 (MANE Select); coding-DNA position 991, C replaced by T.
Protein change: p.Arg331Trp; replaces arginine 331 with tryptophan.
Molecular consequence: missense variant.
Genome position (GRCh38, 1-based): chr10:102,599,513, C>T. VCF-style: chr10-102599513-C-T. GRCh37 (hg19) VCF-style: chr10-104359270-C-T.
Other names: c.991C>T, p.Arg331Trp (NM_001178133.2); short protein forms R331W.
Identifiers: ClinVar variation 453985 (VCV000453985.19), dbSNP rs768170991, ClinGen allele CA5667829.

ClinVar aggregate classification (germline): Conflicting classifications of pathogenicity. Review status: criteria provided, conflicting classifications (1 of 4 stars). 4 submissions from 4 submitters: Uncertain significance (3); Likely benign (1). Last evaluated 2025-12-01.

Conditions:
Gorlin syndrome. Also called: Basal cell nevus syndrome; Nevoid Basal Cell Carcinoma Syndrome. Identifiers: Orphanet 377, MedGen C0004779, MONDO:0007187.
Medulloblastoma (MDB). Also called: Medulloblastoma, somatic; MEDULLOBLASTOMA PREDISPOSITION SYNDROME. Identifiers: Orphanet 616, MedGen C0025149, MeSH D008527, MONDO:0007959, OMIM 155255, HP:0002885.
Familial meningioma. Also called: Meningioma, familial, susceptibility to. Identifiers: Orphanet 263662, MedGen C3551915, MONDO:0011789, OMIM 607174.
Hereditary cancer-predisposing syndrome. Also called: Hereditary Cancer Syndrome; Hereditary neoplastic syndrome; Tumor predisposition; Neoplastic Syndromes, Hereditary. Identifiers: Orphanet 140162, MedGen C0027672, MeSH D009386, MONDO:0015356.

Allele frequency attached by ClinVar (database versions not stated): ExAC 0.00001; gnomAD exomes 0.00002 and 0.00006; TOPMed 0.00002; gnomAD 0.00004; 1000 Genomes Project 30x 0.00016.
gnomAD v4.1: 94 of 1,614,178 alleles (0.0058%); highest among the groups gnomAD compares: Non-Finnish European, 0.0069%; no homozygotes.

Submissions (4):

Labcorp Genetics (formerly Invitae), Labcorp
Classification: Uncertain significance for Gorlin syndrome; Medulloblastoma. Last evaluated: 2025-12-01. Review status: criteria provided, single submitter. Criteria: Invitae Variant Classification Sherloc (09022015). Collection method: clinical testing. Allele origin: germline.
Comment: This sequence change replaces arginine, which is basic and polar, with tryptophan, which is neutral and slightly polar, at codon 331 of the SUFU protein (p.Arg331Trp). This variant is present in population databases (rs768170991, gnomAD 0.004%). This variant has not been reported in the literature in individuals affected with SUFU-related conditions. ClinVar contains an entry for this variant (Variation ID: 453985). Invitae Evidence Modeling of protein sequence and biophysical properties (such as structural, functional, and spatial information, amino acid conservation, physicochemical variation, residue mobility, and thermodynamic stability) indicates that this missense variant is not expected to disrupt SUFU protein function with a negative predictive value of 80%. In summary, the available evidence is currently insufficient to determine the role of this variant in disease. Therefore, it has been classified as a Variant of Uncertain Significance.

Baylor Genetics
Classification: Uncertain significance for Familial meningioma. Last evaluated: 2023-08-20. Review status: criteria provided, single submitter. Criteria: ACMG Guidelines, 2015. Collection method: clinical testing. Allele origin: unknown.

GeneDx
Classification: Uncertain significance. Last evaluated: 2023-06-05. Review status: criteria provided, single submitter. Criteria: GeneDx Variant Classification Process June 2021. Collection method: clinical testing. Allele origin: germline. Affected: yes.
Comment: Not observed at a significant frequency in large population cohorts (gnomAD); In silico analysis supports that this missense variant does not alter protein structure/function; Has not been previously published as pathogenic or benign to our knowledge; This variant is associated with the following publications: (PMID: 27882345, 29641532)

Ambry Genetics
Classification: Likely benign for Hereditary cancer-predisposing syndrome. Last evaluated: 2020-07-30. Review status: criteria provided, single submitter. Criteria: Ambry Variant Classification Scheme 2023. Collection method: clinical testing. Allele origin: germline.

Literature cited by the submitters: PubMed 29641532 (cited by Ambry Genetics).